The following is an entry in ClinVar:

ClinVar aggregate classification (germline): Conflicting classifications of pathogenicity. Review status: criteria provided, conflicting classifications (1 of 4 stars). 22 submissions from 20 submitters: Pathogenic (4); Likely pathogenic (3); Uncertain significance (6). 9 of the submissions do not count toward it. Last evaluated 2026-03-18.

Conditions:
Severe early-childhood-onset retinal dystrophy (STGD1). Also called: MACULAR DYSTROPHY WITH FLECKS, TYPE 1; STGD; Stargardt macular dystrophy; Juvenile onset macular degeneration; Stargardt disease 1. Identifiers: Orphanet 364055, Orphanet 827, MedGen C1855465, MeSH D000080362, MONDO:0009549, OMIM 248200.
Stargardt disease (FFM). Also called: Fundus flavimaculatus; Stargardt's disease. Identifiers: Orphanet 827, MedGen C0271093, MONDO:0019353.
ABCA4-related disorder. Also called: ABCA4-related condition; ABCA4-related disorders. Identifiers: MedGen CN239167.
Retinal dystrophy. Also called: Inherited retinal dystrophy. Identifiers: Orphanet 71862, MedGen C0854723, MeSH D058499, MONDO:0019118, HP:0000556.
Cone-rod dystrophy 3 (CORD3). Identifiers: Orphanet 1872, MedGen C1858806, MONDO:0011395, OMIM 604116.
Cone-rod dystrophy. Also called: Cone/cone-rod dystrophy; Cone-rod degeneration. Identifiers: Orphanet 1872, MedGen C4085590, MONDO:0015993, HP:0000548.
Retinal disorder. Also called: Retinopathy; Retinal disorders; Retinopathies; Retinal Diseases. Identifiers: MedGen C0035309, MONDO:0005283, HP:0000488.

Allele frequency attached by ClinVar (database versions not stated): 1000 Genomes Project 30x 0.00031; 1000 Genomes Project 0.00040; TOPMed 0.00099; gnomAD exomes 0.00120 and 0.00162; ExAC 0.00130; gnomAD 0.00131 and 0.00132; ESP Exome Variant Server 0.00138.
gnomAD v4.1: 2,523 of 1,614,168 alleles (0.16%); highest among the groups gnomAD compares: Non-Finnish European, 0.19%; 3 homozygotes.

Submissions 1 to 12 of 22:

Genetics Laboratory, Great Ormond Street Hospital NHS Foundation Trust, North Thames Genomic Laboratory Hub
Classification: Uncertain significance for Retinal disorders. Last evaluated: 2026-03-18. Review status: criteria provided, single submitter. Criteria: ACGS Best Practice Guidelines for Variant Classification in Rare Disease 2024 v1.2. Collection method: clinical testing. Allele origin: germline. Affected: yes.
Comment: PP3_supporting, PS3_supporting, PM3_very-strong

PreventionGenetics, part of Exact Sciences
Classification: Likely pathogenic for ABCA4-related condition. Last evaluated: 2026-03-17. Review status: criteria provided, single submitter. Criteria: ACMG Guidelines, 2015. Collection method: clinical testing. Allele origin: germline.
Comment: The ABCA4 c.4685T>C variant is predicted to result in the amino acid substitution p.Ile1562Thr. This variant has been reported in multiple individuals with ABCA4-related retinal disease (for examples, see Allikmets et al. 1997. PubMed ID: 9295268; Downes et al. 2012. PubMed ID: 23143460). It has been observed in both the compound heterozygous and homozygous states (Supplementary material, Weisschuh et al. 2020. PubMed ID: 32531858; Table S1, Lin et al. 2024. PubMed ID: 38219857). It is proposed to be a mild variant in terms of disease severity (Table S2, Cornelis et al. 2022. PubMed ID: 35120629) or a hypomorph (Lee et al. 2021. PubMed ID: 34874912). A functional study revealed that this variant reduces the ATP-binding ability of the protein (Shroyer et al. 2001. PubMedID:11726554). This variant is reported in 0.22% of alleles in individuals of European (Non-Finnish) descent in gnomAD including one homozygous individual, indicating it is relatively common. This variant is interpreted as likely pathogenic when in trans with a severe variant.

CeGaT Center for Human Genetics Tuebingen
Classification: Likely pathogenic. Last evaluated: 2025-11-01. Review status: criteria provided, single submitter. Criteria: CeGaT Center For Human Genetics Tuebingen Variant Classification Criteria Version 2. Collection method: clinical testing. Allele origin: germline. Affected: yes. Observed: 9 variant alleles.
Comment: ABCA4: PM3:Strong, PM2:Supporting, PS3:Supporting

GeneDx
Classification: Pathogenic. Last evaluated: 2025-10-28. Review status: criteria provided, single submitter. Criteria: GeneDx Variant Classification Process June 2021. Collection method: clinical testing. Allele origin: germline. Affected: yes.
Comment: Published functional studies demonstrate that the variant reduces ATP-binding ability (PMID: 11726554); In silico analysis supports that this missense variant has a deleterious effect on protein structure/function; This variant is associated with the following publications: (PMID: 10958763, 11818392, 20849526, 9295268, 11379881, 35120629, 32581362, 25087612, 23953153, 23143460, 17982420, 15696369, 23982839, 33836713, 30718709, 29925512, 28118664, 28771251, 29555955, 28838317, 29068140, 29975949, 34426522, 34945039, Lee[abstract]2021, 30834176, 11726554, 11527935, 36460718, 32531858, 28041643, 39127396, 38219857, 34874912, 31429209)

Revvity Omics, Revvity
Classification: Uncertain significance. Last evaluated: 2025-04-18. Review status: criteria provided, single submitter. Criteria: ACMG Guidelines, 2015. Collection method: clinical testing. Allele origin: germline.

Laboratory of Genetics, Children's Clinical University Hospital Latvia
Classification: Pathogenic. Last evaluated: 2025-02-16. Review status: criteria provided, single submitter. Criteria: ACMG Guidelines, 2015. Collection method: clinical testing. Allele origin: germline. Affected: yes.

Labcorp Genetics (formerly Invitae), Labcorp
Classification: Uncertain significance. Last evaluated: 2025-01-27. Review status: criteria provided, single submitter. Criteria: Invitae Variant Classification Sherloc (09022015). Collection method: clinical testing. Allele origin: germline.
Comment: This sequence change replaces isoleucine, which is neutral and non-polar, with threonine, which is neutral and polar, at codon 1562 of the ABCA4 protein (p.Ile1562Thr). This variant is present in population databases (rs1762111, gnomAD 0.2%), including at least one homozygous and/or hemizygous individual. This missense change has been observed in individual(s) with Stargardt disease or cone-rod dystrophy, but there is no convincing evidence that it segregates with disease (PMID: 11527935, 22661472, 28041643, 29975949, 30718709, 35120629). ClinVar contains an entry for this variant (Variation ID: 99311). Invitae Evidence Modeling of protein sequence and biophysical properties (such as structural, functional, and spatial information, amino acid conservation, physicochemical variation, residue mobility, and thermodynamic stability) has been performed for this missense variant. However, the output from this modeling did not meet the statistical confidence thresholds required to predict the impact of this variant on ABCA4 protein function. Experimental studies have shown that this missense change affects ABCA4 function (PMID: 11726554). In summary, the available evidence is currently insufficient to determine the role of this variant in disease. Therefore, it has been classified as a Variant of Uncertain Significance.

Blueprint Genetics
Classification: Pathogenic for ABCA4-related disorders. Last evaluated: 2024-11-22. Review status: criteria provided, single submitter. Criteria: ACMG Guidelines, 2015. Collection method: clinical testing. Allele origin: germline. Affected: yes. Observed: 5 variant alleles.

Dept Of Ophthalmology, Nagoya University
Classification: Pathogenic for Retinal dystrophy. Last evaluated: 2023-10-01. Review status: criteria provided, single submitter. Criteria: Submitter's publication. Collection method: research. Allele origin: germline. Affected: yes.

Laboratory for Molecular Medicine, Mass General Brigham Personalized Medicine
Classification: Uncertain significance. Last evaluated: 2023-07-26. Review status: criteria provided, single submitter. Criteria: ACMG Guidelines, 2015. Collection method: clinical testing. Allele origin: germline. Inheritance: Autosomal recessive inheritance.
Comment: The p.Ile1562Thr variant in ABCA4 has been reported in at least 5 individuals with Stargardt disease in association with a second pathogneic or likely pathogenic variant. In addition, it has been identified in the heterozygous state without a clear second pathogenic variant in at least 1 individual with Stargardt disease and 2 individuals with macular degeneration (Allikmets 1997 PMID: 9295268; Testa 2012 PMID: 22661472; Fujinami 2013 PMID: 23953153, Downes 2012 PMID: 23143460. Sung 2019 PMID: 29975949, Lee 2022 PMID: 34874912). The observation of this variant in trans with a loss of function variant in individuals with a mild form of Stargardt disease suggests this variant might act as a hypomorph (Lee 2022 PMID: 34874912). This variant has been identified in 0.288% (10/3472) of Ashkenazi Jewish and in 0.22% (152/68026) of European chromosomes by gnomAD ( v3.1.2, and in one homozygous individual in gnomAD (v2.1.1). Computational prediction tools and conservation analyses do not provide strong support for or against an impact to the protein. In vitro functional studies provide some evidence that this variant may impact protein function by lowering the ATP-binding affinity of the protein (Shroyer 2001 PMID: 11726554); however, these types of assays may not accurately represent biological function. In summary, while there is some suspicion for a pathogenic role, the clinical significance of this variant is uncertain. ACMG/AMP Criteria applied: PS3_Supporting, PM3_Strong

Institute of Medical Genetics and Applied Genomics, University Hospital Tübingen
Classification: Likely pathogenic for Severe early-childhood-onset retinal dystrophy; Stargardt disease. Last evaluated: 2023-01-11. Review status: criteria provided, single submitter. Criteria: ACMG Guidelines, 2015. Collection method: clinical testing. Allele origin: germline. Inheritance: Autosomal recessive inheritance. Affected: yes.

Institute of Human Genetics, Univ. Regensburg, Univ. Regensburg
Classification: Uncertain significance for Retinal dystrophy. Last evaluated: 2022-01-01. Review status: criteria provided, single submitter. Criteria: ACMG Guidelines, 2015. Collection method: clinical testing. Allele origin: germline. Affected: yes.

NM_000350.3(ABCA4):c.4685T>C (p.Ile1562Thr)

Genes: ABCA4 (ATP binding cassette subfamily A member 4; minus strand), LOC126805793 (CDK7 strongly-dependent group 2 enhancer GRCh37_chr1:94486302-94487501; plus strand). Cytogenetic location: 1p22.1.
Variant type: single nucleotide variant.
Coding change: c.4685T>C on transcript NM_000350.3 (MANE Select); coding-DNA position 4685, T replaced by C.
Protein change: p.Ile1562Thr; replaces isoleucine 1562 with threonine.
Molecular consequence: missense variant.
Genome position (GRCh38, 1-based): chr1:94,021,934, A>G on the plus strand (T>C on the coding strand, the complement: ABCA4 is on the minus strand). VCF-style: chr1-94021934-A-G. GRCh37 (hg19) VCF-style: chr1-94487490-A-G.
Other names: c.4463T>C, p.Ile1488Thr (NM_001425324.1); short protein forms I1562T, I1488T.
Identifiers: ClinVar variation 99311 (VCV000099311.75), dbSNP rs1762111, ClinGen allele CA227226.